The following is an entry in ClinVar:

NM_001458.5(FLNC):c.4111T>C (p.Phe1371Leu)

Gene: FLNC (filamin C; plus strand). Cytogenetic location: 7q32.1.
Variant type: single nucleotide variant.
Coding change: c.4111T>C on transcript NM_001458.5 (MANE Select); coding-DNA position 4111, T replaced by C.
Protein change: p.Phe1371Leu; replaces phenylalanine 1371 with leucine.
Molecular consequence: missense variant.
Genome position (GRCh38, 1-based): chr7:128,846,447, T>C. VCF-style: chr7-128846447-T-C. GRCh37 (hg19) VCF-style: chr7-128486501-T-C.
Other names: c.4111T>C, p.Phe1371Leu (NM_001127487.2); short protein forms F1371L.
Identifiers: ClinVar variation 1716155 (VCV001716155.6), dbSNP rs1808573019, ClinGen allele CA369199133.

ClinVar aggregate classification (germline): Uncertain significance (1 of 4 stars; one submission).

Conditions:
Myofibrillar myopathy 5. Also called: Filaminopathy (type); FILAMINOPATHY, AUTOSOMAL DOMINANT. Identifiers: Orphanet 171445, MedGen C1836050, MONDO:0012289, OMIM 609524.
Distal myopathy with posterior leg and anterior hand involvement. Also called: WILLIAMS DISTAL MYOPATHY. Identifiers: Orphanet 63273, MedGen C3279722, MONDO:0013550, OMIM 614065.
Hypertrophic cardiomyopathy 26. Also called: Cardiomyopathy, familial hypertrophic, 26. Identifiers: Orphanet 75249, MedGen C4310749, MONDO:0014883, OMIM 617047.

Allele frequency attached by ClinVar (database versions not stated): TOPMed below 0.00001.

Submission:

Labcorp Genetics (formerly Invitae), Labcorp
Classification: Uncertain significance for Distal myopathy with posterior leg and anterior hand involvement; Myofibrillar myopathy 5; Hypertrophic cardiomyopathy 26. Last evaluated: 2022-08-12. Review status: criteria provided, single submitter. Criteria: Invitae Variant Classification Sherloc (09022015). Collection method: clinical testing. Allele origin: germline.
Comment: In summary, the available evidence is currently insufficient to determine the role of this variant in disease. Therefore, it has been classified as a Variant of Uncertain Significance. Algorithms developed to predict the effect of missense changes on protein structure and function are either unavailable or do not agree on the potential impact of this missense change (SIFT: "Deleterious"; PolyPhen-2: "Probably Damaging"; Align-GVGD: "Class C15"). This variant has not been reported in the literature in individuals affected with FLNC-related conditions. This variant is not present in population databases (gnomAD no frequency). This sequence change replaces phenylalanine, which is neutral and non-polar, with leucine, which is neutral and non-polar, at codon 1371 of the FLNC protein (p.Phe1371Leu).